The following is an entry in ClinVar:

NM_006031.6(PCNT):c.2516G>T (p.Cys839Phe)

Gene: PCNT (pericentrin; plus strand). Cytogenetic location: 21q22.3.
Variant type: single nucleotide variant.
Coding change: c.2516G>T on transcript NM_006031.6 (MANE Select); coding-DNA position 2516, G replaced by T.
Protein change: p.Cys839Phe; replaces cysteine 839 with phenylalanine.
Molecular consequence: missense variant.
Genome position (GRCh38, 1-based): chr21:46,363,841, G>T. VCF-style: chr21-46363841-G-T. GRCh37 (hg19) VCF-style: chr21-47783756-G-T.
Other names: c.2162G>T, p.Cys721Phe (NM_001315529.2); c.2516G>T (NM_006031.5); short protein forms C721F, C839F.
Identifiers: ClinVar variation 1435739 (VCV001435739.5), dbSNP rs1189857776, ClinGen allele CA410568092.

ClinVar aggregate classification (germline): Uncertain significance. Review status: criteria provided, multiple submitters, no conflicts (2 of 4 stars). 2 submissions from 2 submitters: Uncertain significance (2). Last evaluated 2023-11-27.

Conditions:
Inborn genetic diseases. Identifiers: MedGen C0950123, MeSH D030342.

gnomAD v4.1: 8 of 1,612,150 alleles (0.0005%); highest among the groups gnomAD compares: Admixed American, 0.013%; no homozygotes.

Submissions (2):

Labcorp Genetics (formerly Invitae), Labcorp
Classification: Uncertain significance. Last evaluated: 2023-11-27. Review status: criteria provided, single submitter. Criteria: Invitae Variant Classification Sherloc (09022015). Collection method: clinical testing. Allele origin: germline.
Comment: This sequence change replaces cysteine, which is neutral and slightly polar, with phenylalanine, which is neutral and non-polar, at codon 839 of the PCNT protein (p.Cys839Phe). This variant is not present in population databases (gnomAD no frequency). This variant has not been reported in the literature in individuals affected with PCNT-related conditions. ClinVar contains an entry for this variant (Variation ID: 1435739). An algorithm developed to predict the effect of missense changes on protein structure and function (PolyPhen-2) suggests that this variant is likely to be disruptive. In summary, the available evidence is currently insufficient to determine the role of this variant in disease. Therefore, it has been classified as a Variant of Uncertain Significance.

Ambry Genetics
Classification: Uncertain significance for Inborn genetic diseases. Last evaluated: 2023-01-24. Review status: criteria provided, single submitter. Criteria: Ambry Variant Classification Scheme 2023. Collection method: clinical testing. Allele origin: germline.